The following is an entry in ClinVar:

NM_000163.5(GHR):c.1463_1464delinsTT (p.Ala488Val)

Gene: GHR (growth hormone receptor; plus strand). Cytogenetic location: 5p12.
Variant type: Indel.
Coding change: c.1463_1464delinsTT on transcript NM_000163.5 (MANE Select); coding-DNA positions 1463 to 1464, CC replaced by TT.
Protein change: p.Ala488Val; replaces alanine 488 with valine.
Molecular consequence: missense variant. On other transcripts: 3 prime UTR variant (1).
Genome position (GRCh38, 1-based): chr5:42,718,970-42,718,971, CC replaced by TT. VCF-style: chr5-42718970-CC-TT. GRCh37 (hg19) VCF-style: chr5-42719072-CC-TT.
Other names: c.1484_1485delinsTT, p.Ala495Val (NM_001242399.2); c.1463_1464delinsTT, p.Ala488Val (NM_001242400.2, NM_001242401.4, NM_001242402.2 and 4 more transcripts); c.1397_1398delCCinsTT, p.Ala466Val (NM_001242460.2); c.*505_*506delinsTT (NM_001242462.1); short protein forms A495V, A466V, A488V.
Identifiers: ClinVar variation 1413491 (VCV001413491.6), dbSNP rs2111869074, ClinGen allele CA2573139701.

ClinVar aggregate classification (germline): Uncertain significance. Review status: criteria provided, multiple submitters, no conflicts (2 of 4 stars). 2 submissions from 2 submitters: Uncertain significance (2). Last evaluated 2025-12-20.

Submissions (2):

Labcorp Genetics (formerly Invitae), Labcorp
Classification: Uncertain significance. Last evaluated: 2025-12-20. Review status: criteria provided, single submitter. Criteria: Invitae Variant Classification Sherloc (09022015). Collection method: clinical testing. Allele origin: germline.
Comment: This sequence change replaces alanine, which is neutral and non-polar, with valine, which is neutral and non-polar, at codon 488 of the GHR protein (p.Ala488Val). This variant is present in population databases (no rsID available, gnomAD 0.01%). This variant has not been reported in the literature in individuals affected with GHR-related conditions. ClinVar contains an entry for this variant (Variation ID: 1413491). An algorithm developed to predict the effect of missense changes on protein structure and function (PolyPhen-2) suggests that this variant is likely to be disruptive. In summary, the available evidence is currently insufficient to determine the role of this variant in disease. Therefore, it has been classified as a Variant of Uncertain Significance.

Blueprint Genetics
Classification: Uncertain significance. Last evaluated: 2021-07-21. Review status: criteria provided, single submitter. Criteria: ACMG Guidelines, 2015. Collection method: clinical testing. Allele origin: germline.